The following is an entry in ClinVar:

ClinVar aggregate classification (germline): Uncertain significance. Review status: criteria provided, multiple submitters, no conflicts (2 of 4 stars). 2 submissions from 2 submitters: Uncertain significance (2). Last evaluated 2022-10-17.

Conditions:
Inborn genetic diseases. Identifiers: MedGen C0950123, MeSH D030342.

Allele frequency attached by ClinVar (database versions not stated): gnomAD exomes below 0.00001; ExAC 0.00001; gnomAD 0.00001; TOPMed 0.00001; 1000 Genomes Project 30x 0.00016; 1000 Genomes Project 0.00020.
gnomAD v4.1: 5 of 1,610,694 alleles (0.00031%); highest among the groups gnomAD compares: African/African-American, 0.0013%; no homozygotes.

Submissions (2):

Labcorp Genetics (formerly Invitae), Labcorp
Classification: Uncertain significance. Last evaluated: 2022-10-17. Review status: criteria provided, single submitter. Criteria: Invitae Variant Classification Sherloc (09022015). Collection method: clinical testing. Allele origin: germline.
Comment: This sequence change replaces isoleucine, which is neutral and non-polar, with threonine, which is neutral and polar, at codon 615 of the TBCK protein (p.Ile615Thr). This variant is present in population databases (rs185954446, gnomAD 0.0009%). This variant has not been reported in the literature in individuals affected with TBCK-related conditions. Advanced modeling of protein sequence and biophysical properties (such as structural, functional, and spatial information, amino acid conservation, physicochemical variation, residue mobility, and thermodynamic stability) has been performed at Invitae for this missense variant, however the output from this modeling did not meet the statistical confidence thresholds required to predict the impact of this variant on TBCK protein function. In summary, the available evidence is currently insufficient to determine the role of this variant in disease. Therefore, it has been classified as a Variant of Uncertain Significance.

Ambry Genetics
Classification: Uncertain significance for Inborn genetic diseases. Last evaluated: 2022-06-09. Review status: criteria provided, single submitter. Criteria: Ambry Variant Classification Scheme 2023. Collection method: clinical testing. Allele origin: germline.

NM_001163435.3(TBCK):c.1844T>C (p.Ile615Thr)

Gene: TBCK (TBC1 domain containing kinase; minus strand). Cytogenetic location: 4q24.
Variant type: single nucleotide variant.
Coding change: c.1844T>C on transcript NM_001163435.3 (MANE Select); coding-DNA position 1844, T replaced by C.
Protein change: p.Ile615Thr; replaces isoleucine 615 with threonine.
Molecular consequence: missense variant.
Genome position (GRCh38, 1-based): chr4:106,212,766, A>G on the plus strand (T>C on the coding strand, the complement: TBCK is on the minus strand). VCF-style: chr4-106212766-A-G. GRCh37 (hg19) VCF-style: chr4-107133923-A-G.
Other names: c.1844T>C, p.Ile615Thr (NM_001163436.4); c.1727T>C, p.Ile576Thr (NM_001163437.3); c.1328T>C, p.Ile443Thr (NM_001290768.2); c.1655T>C, p.Ile552Thr (NM_033115.5); short protein forms I576T, I615T, I443T, I552T.
Identifiers: ClinVar variation 2116548 (VCV002116548.2), dbSNP rs185954446, ClinGen allele CA3034919.